The following is an entry in ClinVar:

NM_001130987.2(DYSF):c.4889A>G (p.Gln1630Arg)

Gene: DYSF (dysferlin; plus strand). Cytogenetic location: 2p13.2.
Variant type: single nucleotide variant.
Coding change: c.4889A>G on transcript NM_001130987.2 (MANE Select); coding-DNA position 4889, A replaced by G.
Protein change: p.Gln1630Arg; replaces glutamine 1630 with arginine.
Molecular consequence: missense variant.
Genome position (GRCh38, 1-based): chr2:71,659,011, A>G. VCF-style: chr2-71659011-A-G. GRCh37 (hg19) VCF-style: chr2-71886141-A-G.
Other names: c.4865A>G, p.Gln1622Arg (NM_001130979.2); c.4823A>G, p.Gln1608Arg (NM_001130980.2); c.4886A>G, p.Gln1629Arg (NM_001130981.2); c.4868A>G, p.Gln1623Arg (NM_001130982.2); c.4838A>G, p.Gln1613Arg (NM_001130983.2); c.4796A>G, p.Gln1599Arg (NM_001130984.2); c.4826A>G, p.Gln1609Arg (NM_001130985.2); c.4733A>G, p.Gln1578Arg (NM_001130986.2); and 5 more; short protein forms Q1609R, Q1613R, Q1630R, Q1578R, Q1598R, Q1612R, Q1577R, Q1591R.
Identifiers: ClinVar variation 1355762 (VCV001355762.5), dbSNP rs754829594, ClinGen allele CA1707163.

ClinVar aggregate classification (germline): Uncertain significance (1 of 4 stars; one submission).

Conditions:
Neuromuscular disease caused by qualitative or quantitative defects of dysferlin. Also called: Qualitative or quantitative defects of dysferlin; Dysferlinopathy. Identifiers: Orphanet 207073, MedGen C2931687, MONDO:0016145.

Allele frequency attached by ClinVar (database versions not stated): TOPMed below 0.00001; ExAC 0.00001; gnomAD exomes 0.00001.
gnomAD v4.1: 3 of 1,614,210 alleles (0.00019%); highest among the groups gnomAD compares: Admixed American, 0.0017%; no homozygotes.

Submission:

Labcorp Genetics (formerly Invitae), Labcorp
Classification: Uncertain significance for Neuromuscular disease caused by qualitative or quantitative defects of dysferlin. Last evaluated: 2022-02-05. Review status: criteria provided, single submitter. Criteria: Invitae Variant Classification Sherloc (09022015). Collection method: clinical testing. Allele origin: germline.
Comment: This sequence change replaces glutamine, which is neutral and polar, with arginine, which is basic and polar, at codon 1591 of the DYSF protein (p.Gln1591Arg). This variant is present in population databases (rs754829594, gnomAD 0.003%). This variant has not been reported in the literature in individuals affected with DYSF-related conditions. Advanced modeling of protein sequence and biophysical properties (such as structural, functional, and spatial information, amino acid conservation, physicochemical variation, residue mobility, and thermodynamic stability) performed at Invitae indicates that this missense variant is not expected to disrupt DYSF protein function. In summary, the available evidence is currently insufficient to determine the role of this variant in disease. Therefore, it has been classified as a Variant of Uncertain Significance.